The following is an entry in ClinVar:

ClinVar aggregate classification (germline): Pathogenic. Review status: criteria provided, single submitter (1 of 4 stars). 2 submissions from 2 submitters: Pathogenic (1). 1 of the submissions does not count toward it. Last evaluated 2023-10-11.

Conditions:
Arrhythmogenic right ventricular cardiomyopathy (ARVD). Also called: Arrhythmogenic right ventricular dysplasia; Cardiomyopathy, ARVC; Arrhythmogenic cardiomyopathy; Arrhythmogenic Right Ventricular Cardiomyopathy (ARVC). Identifiers: Orphanet 247, MedGen C0349788, MeSH D019571, MONDO:0016587. Disease mechanism: loss of function. Inheritance: Various modes of inheritance.
Arrhythmogenic cardiomyopathy with wooly hair and keratoderma. Also called: PALMOPLANTAR KERATODERMA WITH LEFT VENTRICULAR CARDIOMYOPATHY AND WOOLLY HAIR; Carvajal syndrome; Dilated cardiomyopathy with woolly hair and keratoderma; Arrhythmogenic cardiomyopathy with woolly hair and keratoderma. Identifiers: Orphanet 65282, MedGen C1854063, MONDO:0011581, OMIM 605676.
Arrhythmogenic right ventricular dysplasia 8 (ARVD8). Also called: ARRHYTHMOGENIC RIGHT VENTRICULAR DYSPLASIA, FAMILIAL, 8; ARRHYTHMOGENIC RIGHT VENTRICULAR CARDIOMYOPATHY 8; Arrhythmogenic Right Ventricular Dysplasia/Cardiomyopathy 8. Identifiers: MedGen C1843896, MONDO:0011831, OMIM 607450.

Submissions (2):

Labcorp Genetics (formerly Invitae), Labcorp
Classification: Pathogenic for Arrhythmogenic cardiomyopathy with wooly hair and keratoderma; Arrhythmogenic right ventricular dysplasia 8. Last evaluated: 2023-10-11. Review status: criteria provided, single submitter. Criteria: Invitae Variant Classification Sherloc (09022015). Collection method: clinical testing. Allele origin: germline.
Comment: This sequence change creates a premature translational stop signal (p.Glu1068Valfs*19) in the DSP gene. It is expected to result in an absent or disrupted protein product. Loss-of-function variants in DSP are known to be pathogenic (PMID: 20716751, 24503780, 25227139). This variant is not present in population databases (gnomAD no frequency). This premature translational stop signal has been observed in individual(s) with arrhythmogenic cardiomyopathy (PMID: 21723241). ClinVar contains an entry for this variant (Variation ID: 2412593). Algorithms developed to predict the effect of variants on protein structure and function are not available or were not evaluated for this variant. Experimental studies have shown that this premature translational stop signal affects DSP function (PMID: 34815391). For these reasons, this variant has been classified as Pathogenic.

Sangiuolo Lab - Medical Genetics Laboratory, Tor Vergata University
Classification: Pathogenic for Arrhythmogenic right ventricular cardiomyopathy. Last evaluated: 2023-01-10. Review status: no assertion criteria provided. Collection method: clinical testing. Allele origin: germline. Affected: yes. Not counted in ClinVar's aggregate classification.

Literature cited by the submitters: PubMed 20716751 (cited by Labcorp Genetics (formerly Invitae), Labcorp); PubMed 24503780 (cited by Labcorp Genetics (formerly Invitae), Labcorp); PubMed 25227139 (cited by Labcorp Genetics (formerly Invitae), Labcorp); PubMed 21723241 (cited by Labcorp Genetics (formerly Invitae), Labcorp); PubMed 34815391 (cited by Labcorp Genetics (formerly Invitae), Labcorp).

NM_004415.4(DSP):c.3203_3204del (p.Glu1068fs)

Gene: DSP (desmoplakin; plus strand). Cytogenetic location: 6p24.3.
Variant type: Microsatellite.
Coding change: c.3203_3204del on transcript NM_004415.4 (MANE Select); coding-DNA positions 3203 to 3204, 2 bases deleted (AG; older notation c.3203_3204delAG).
Protein change: p.Glu1068fs; shifts the reading frame from glutamic acid 1068.
Molecular consequence: frameshift variant.
Genome position (GRCh38, 1-based): chr6:7,579,393-7,579,394, AG deleted; deleting any 2 consecutive bases within chr6:7,579,391-7,579,394 gives the same sequence; the c. name uses the placement nearest the transcript's 3' end. VCF-style (leftmost placement, unchanged base first): chr6-7579390-CAG-C. GRCh37 (hg19) VCF-style: chr6-7579623-CAG-C.
Other names: c.3203_3204del (NM_004415.2); c.3203_3204del, p.Glu1068fs (NM_001008844.3, NM_001319034.2); c.3201_3202AG[1], p.Glu1068Valfs (NM_004415.2); short protein forms E1068fs.
Identifiers: ClinVar variation 2412593 (VCV002412593.4), dbSNP rs1285329067, ClinGen allele CA917669408.
Genomic context (GRCh38, chr6:7,579,390, plus strand): 5'-CCAACTCGGAAAACTGTAATAAGAACAAATTCCTGGATCAGAACCTGCAGAAATACCAGG[CAG>C]AGTGTTCCCAGTTCAAAGCGAAGCTTGCGAGCCTGGAGGAGCTGAAGAGACAGGCTGAGC-3'